The following is an entry in ClinVar:

ClinVar aggregate classification (germline): Benign. Review status: criteria provided, multiple submitters, no conflicts (2 of 4 stars). 3 submissions from 3 submitters: Benign (3). Last evaluated 2026-01-28.

Conditions:
Corneal dystrophy. Identifiers: Orphanet 34533, MedGen C0010036, MONDO:0018102, HP:0001131.

Allele frequency attached by ClinVar (database versions not stated): 1000 Genomes Project 30x 0.31683; 1000 Genomes Project 0.31769; ESP Exome Variant Server 0.34348; TOPMed 0.34912; gnomAD 0.36069 and 0.36506; ExAC 0.42699; gnomAD exomes 0.43526 and 0.45977.
gnomAD v4.1: 725,916 of 1,613,546 alleles (45%); highest among the groups gnomAD compares: Non-Finnish European, 48%; 169,610 homozygotes.

Submissions (3):

Labcorp Genetics (formerly Invitae), Labcorp
Classification: Benign. Last evaluated: 2026-01-28. Review status: criteria provided, single submitter. Criteria: Invitae Variant Classification Sherloc (09022015). Collection method: clinical testing. Allele origin: germline.

Illumina Laboratory Services, Illumina
Classification: Benign for Corneal dystrophy. Last evaluated: 2018-01-13. Review status: criteria provided, single submitter. Criteria: ICSL Variant Classification Criteria 13 December 2019. Collection method: clinical testing. Allele origin: germline.
Comment: This variant was observed in the ICSL laboratory as part of a predisposition screen in an ostensibly healthy population. It had not been previously curated by ICSL or reported in the Human Gene Mutation Database (HGMD: prior to June 1st, 2018), and was therefore a candidate for classification through an automated scoring system. Utilizing variant allele frequency, disease prevalence and penetrance estimates, and inheritance mode, an automated score was calculated to assess if this variant is too frequent to cause the disease. Based on the score and internal cut-off values, a variant classified as benign is not then subjected to further curation. The score for this variant resulted in a classification of benign for this disease.

PreventionGenetics, part of Exact Sciences
Classification: Benign. Review status: criteria provided, single submitter. Criteria: ACMG Guidelines, 2015. Collection method: clinical testing. Allele origin: germline.

NM_000358.3(TGFBI):c.651G>C (p.Leu217=)

Gene: TGFBI (transforming growth factor beta induced; plus strand). Cytogenetic location: 5q31.1.
Variant type: single nucleotide variant.
Coding change: c.651G>C on transcript NM_000358.3 (MANE Select); coding-DNA position 651, G replaced by C.
Protein change: p.Leu217=; no amino-acid change (leucine 217 retained).
Molecular consequence: synonymous variant.
Genome position (GRCh38, 1-based): chr5:136,047,300, G>C. VCF-style: chr5-136047300-G-C. GRCh37 (hg19) VCF-style: chr5-135382989-G-C.
Identifiers: ClinVar variation 255939 (VCV000255939.13), dbSNP rs1442, ClinGen allele CA3420111.